The following is an entry in ClinVar:

NM_015015.3(KDM4B):c.1952C>A (p.Ala651Asp)

Gene: KDM4B (lysine demethylase 4B; plus strand). Cytogenetic location: 19p13.3.
Variant type: single nucleotide variant.
Coding change: c.1952C>A on transcript NM_015015.3 (MANE Select); coding-DNA position 1952, C replaced by A.
Protein change: p.Ala651Asp; replaces alanine 651 with aspartic acid.
Molecular consequence: missense variant.
Genome position (GRCh38, 1-based): chr19:5,133,928, C>A. VCF-style: chr19-5133928-C-A. GRCh37 (hg19) VCF-style: chr19-5133939-C-A.
Other names: c.2054C>A, p.Ala685Asp (NM_001411148.1); short protein forms A651D, A685D.
Identifiers: ClinVar variation 2433057 (VCV002433057.27), dbSNP rs1446663105, ClinGen allele CA403501519.

ClinVar aggregate classification (germline): Uncertain significance. Review status: criteria provided, multiple submitters, no conflicts (2 of 4 stars). 2 submissions from 2 submitters: Uncertain significance (2). Last evaluated 2023-06-01.

Conditions:
Intellectual developmental disorder, autosomal dominant 65. Also called: MENTAL RETARDATION, AUTOSOMAL DOMINANT 65. Identifiers: MedGen C5543371, MONDO:0023657, OMIM 619320.

gnomAD v4.1: 2 of 1,613,152 alleles (0.00012%); highest among the groups gnomAD compares: South Asian, 0.0011%; no homozygotes.

Submissions (2):

CeGaT Center for Human Genetics Tuebingen
Classification: Uncertain significance. Last evaluated: 2023-06-01. Review status: criteria provided, single submitter. Criteria: CeGaT Center For Human Genetics Tuebingen Variant Classification Criteria Version 2. Collection method: clinical testing. Allele origin: germline. Affected: yes. Observed: 2 variant alleles.
Comment: KDM4B: PM2, BP4

Revvity Omics, Revvity
Classification: Uncertain significance for Intellectual developmental disorder, autosomal dominant 65. Last evaluated: 2022-05-25. Review status: criteria provided, single submitter. Criteria: ACMG Guidelines, 2015. Collection method: clinical testing. Allele origin: germline.